The following is an entry in ClinVar:

NM_021072.4(HCN1):c.74C>G (p.Ala25Gly)

Gene: HCN1 (hyperpolarization activated cyclic nucleotide gated potassium channel 1; minus strand). Cytogenetic location: 5p12.
Variant type: single nucleotide variant.
Coding change: c.74C>G on transcript NM_021072.4 (MANE Select); coding-DNA position 74, C replaced by G.
Protein change: p.Ala25Gly; replaces alanine 25 with glycine.
Molecular consequence: missense variant.
Genome position (GRCh38, 1-based): chr5:45,696,020, G>C on the plus strand (C>G on the coding strand, the complement: HCN1 is on the minus strand). VCF-style: chr5-45696020-G-C. GRCh37 (hg19) VCF-style: chr5-45696122-G-C.
Other names: short protein forms A25G.
Identifiers: ClinVar variation 5009392 (VCV005009392.1).

ClinVar aggregate classification (germline): Uncertain significance (1 of 4 stars; one submission).

Submission:

GeneDx
Classification: Uncertain significance. Last evaluated: 2026-03-20. Review status: criteria provided, single submitter. Criteria: GeneDx Variant Classification Process June 2021. Collection method: clinical testing. Allele origin: germline.
Comment: Not observed at significant frequency in large population cohorts (gnomAD); In silico analysis suggests that this missense variant does not alter protein structure/function; Has not been previously published as pathogenic or benign to our knowledge